The following is an entry in ClinVar:

ClinVar aggregate classification (germline): Uncertain significance (1 of 4 stars; one submission).

Conditions:
Catecholaminergic polymorphic ventricular tachycardia 1. Also called: VENTRICULAR TACHYCARDIA, CATECHOLAMINERGIC POLYMORPHIC, 1, WITH OR WITHOUT ATRIAL DYSFUNCTION AND/OR DILATED CARDIOMYOPATHY; RYR2-Related Catecholaminergic Polymorphic Ventricular Tachycardia; VENTRICULAR TACHYCARDIA, STRESS-INDUCED POLYMORPHIC 1. Identifiers: Orphanet 3286, MedGen C1631597, MONDO:0011484, OMIM 604772.

gnomAD v4.1: 4 of 1,614,018 alleles (0.00025%); highest among the groups gnomAD compares: Non-Finnish European, 0.00034%; no homozygotes.

Submission:

Labcorp Genetics (formerly Invitae), Labcorp
Classification: Uncertain significance for Catecholaminergic polymorphic ventricular tachycardia 1. Last evaluated: 2025-09-27. Review status: criteria provided, single submitter. Criteria: Invitae Variant Classification Sherloc (09022015). Collection method: clinical testing. Allele origin: germline.
Comment: This sequence change replaces isoleucine, which is neutral and non-polar, with valine, which is neutral and non-polar, at codon 1842 of the RYR2 protein (p.Ile1842Val). This variant is not present in population databases (gnomAD no frequency). This variant has not been reported in the literature in individuals affected with RYR2-related conditions. Invitae Evidence Modeling of protein sequence and biophysical properties (such as structural, functional, and spatial information, amino acid conservation, physicochemical variation, residue mobility, and thermodynamic stability) indicates that this missense variant is not expected to disrupt RYR2 protein function with a negative predictive value of 95%. In summary, the available evidence is currently insufficient to determine the role of this variant in disease. Therefore, it has been classified as a Variant of Uncertain Significance.

NM_001035.3(RYR2):c.5524A>G (p.Ile1842Val)

Gene: RYR2 (ryanodine receptor 2; plus strand). Cytogenetic location: 1q43.
Variant type: single nucleotide variant.
Coding change: c.5524A>G on transcript NM_001035.3 (MANE Select); coding-DNA position 5524, A replaced by G.
Protein change: p.Ile1842Val; replaces isoleucine 1842 with valine.
Molecular consequence: missense variant.
Genome position (GRCh38, 1-based): chr1:237,614,652, A>G. VCF-style: chr1-237614652-A-G. GRCh37 (hg19) VCF-style: chr1-237777952-A-G.
Other names: short protein forms I1842V.
Identifiers: ClinVar variation 4739849 (VCV004739849.1).